The following is an entry in ClinVar:

NM_007262.5(PARK7):c.142C>T (p.Arg48Cys)

Gene: PARK7 (Parkinsonism associated deglycase; plus strand). Cytogenetic location: 1p36.23.
Variant type: single nucleotide variant.
Coding change: c.142C>T on transcript NM_007262.5 (MANE Select); coding-DNA position 142, C replaced by T.
Protein change: p.Arg48Cys; replaces arginine 48 with cysteine.
Molecular consequence: missense variant.
Genome position (GRCh38, 1-based): chr1:7,965,375, C>T. VCF-style: chr1-7965375-C-T. GRCh37 (hg19) VCF-style: chr1-8025435-C-T.
Other names: c.142C>T, p.Arg48Cys (NM_001123377.2); short protein forms R48C.
Identifiers: ClinVar variation 2202253 (VCV002202253.4), dbSNP rs760020407, ClinGen allele CA569447.

ClinVar aggregate classification (germline): Uncertain significance (1 of 4 stars; one submission).

Conditions:
Autosomal recessive early-onset Parkinson disease 7. Identifiers: Orphanet 2828, MedGen C1853445, MONDO:0011658, OMIM 606324.

Allele frequency attached by ClinVar (database versions not stated): gnomAD exomes below 0.00001; ExAC 0.00001; gnomAD 0.00001.
gnomAD v4.1: 8 of 1,613,970 alleles (0.0005%); highest among the groups gnomAD compares: African/African-American, 0.0027%; no homozygotes.

Submission:

Labcorp Genetics (formerly Invitae), Labcorp
Classification: Uncertain significance for Autosomal recessive early-onset Parkinson disease 7. Last evaluated: 2022-04-10. Review status: criteria provided, single submitter. Criteria: Invitae Variant Classification Sherloc (09022015). Collection method: clinical testing. Allele origin: germline.
Comment: In summary, the available evidence is currently insufficient to determine the role of this variant in disease. Therefore, it has been classified as a Variant of Uncertain Significance. Algorithms developed to predict the effect of missense changes on protein structure and function (SIFT, PolyPhen-2, Align-GVGD) all suggest that this variant is likely to be disruptive. This variant has not been reported in the literature in individuals affected with PARK7-related conditions. This variant is present in population databases (rs760020407, gnomAD 0.007%). This sequence change replaces arginine, which is basic and polar, with cysteine, which is neutral and slightly polar, at codon 48 of the PARK7 protein (p.Arg48Cys).